The following is an entry in ClinVar:

ClinVar aggregate classification (germline): Uncertain significance (1 of 4 stars; one submission).

Submission:

GeneDx
Classification: Uncertain significance. Last evaluated: 2024-06-28. Review status: criteria provided, single submitter. Criteria: GeneDx Variant Classification Process June 2021. Collection method: clinical testing. Allele origin: germline. Affected: yes.
Comment: Not observed at significant frequency in large population cohorts (gnomAD); In silico analysis supports that this missense variant has a deleterious effect on protein structure/function; Has not been previously published as pathogenic or benign to our knowledge

NM_001281775.3(ZMYND8):c.880T>C (p.Cys294Arg)

Gene: ZMYND8 (zinc finger MYND-type containing 8; minus strand). Cytogenetic location: 20q13.12.
Variant type: single nucleotide variant.
Coding change: c.880T>C on transcript NM_001281775.3 (MANE Select); coding-DNA position 880, T replaced by C.
Protein change: p.Cys294Arg; replaces cysteine 294 with arginine.
Molecular consequence: missense variant.
Genome position (GRCh38, 1-based): chr20:47,283,573, A>G on the plus strand (T>C on the coding strand, the complement: ZMYND8 is on the minus strand). VCF-style: chr20-47283573-A-G. GRCh37 (hg19) VCF-style: chr20-45912317-A-G.
Other names: c.805T>C, p.Cys269Arg (NM_001281771.3, NM_001281777.3, NM_001281778.3 and 4 more transcripts); c.820T>C, p.Cys274Arg (NM_001281772.3, NM_001281773.3, NM_001281774.3 and 1 more transcripts); c.880T>C, p.Cys294Arg (NM_001281776.3, NM_001281783.3, NM_012408.6 and 1 more transcripts); c.76T>C, p.Cys26Arg (NM_001281779.3, NM_001281780.3); c.901T>C, p.Cys301Arg (NM_001363714.1); short protein forms C269R, C26R, C274R, C294R, C301R.
Identifiers: ClinVar variation 3392978 (VCV003392978.1).